The following is an entry in ClinVar:

NM_014780.5(CUL7):c.2530del (p.Val844fs)

Gene: CUL7 (cullin 7; minus strand). Cytogenetic location: 6p21.1.
Variant type: Deletion.
Coding change: c.2530del on transcript NM_014780.5 (MANE Select); coding-DNA position 2530, one base deleted (G; older notation c.2530delG).
Protein change: p.Val844fs; shifts the reading frame from valine 844.
Molecular consequence: frameshift variant.
Genome position (GRCh38, 1-based): chr6:43,046,366, C deleted on the plus strand (G on the coding strand, the reverse complement: CUL7 is on the minus strand); the first of 2 consecutive C bases (chr6:43,046,366-43,046,367); deleting either gives the same sequence. VCF-style (leftmost placement, unchanged base first): chr6-43046365-AC-A. GRCh37 (hg19) VCF-style: chr6-43014103-AC-A.
Other names: c.2626del, p.Val876fs (NM_001168370.2, NM_001374872.1); c.2530del, p.Val844fs (NM_001374873.1, NM_001374874.1); short protein forms V876fs, V844fs.
Identifiers: ClinVar variation 2136395 (VCV002136395.4), dbSNP rs2532670981, ClinGen allele CA2580074586.

ClinVar aggregate classification (germline): Pathogenic (1 of 4 stars; one submission).

Submission:

Labcorp Genetics (formerly Invitae), Labcorp
Classification: Pathogenic. Last evaluated: 2024-11-06. Review status: criteria provided, single submitter. Criteria: Invitae Variant Classification Sherloc (09022015). Collection method: clinical testing. Allele origin: germline.
Comment: This sequence change creates a premature translational stop signal (p.Val844Trpfs*13) in the CUL7 gene. It is expected to result in an absent or disrupted protein product. Loss-of-function variants in CUL7 are known to be pathogenic (PMID: 16142236, 17675530, 19225462). This variant is not present in population databases (gnomAD no frequency). This premature translational stop signal has been observed in individual(s) with 3-M syndrome (PMID: 19225462). ClinVar contains an entry for this variant (Variation ID: 2136395). For these reasons, this variant has been classified as Pathogenic.

Literature cited by the submitters: PubMed 16142236; PubMed 17675530; PubMed 19225462.